The following is an entry in ClinVar:

ClinVar aggregate classification (germline): Likely benign (1 of 4 stars; one submission).

Allele frequency attached by ClinVar (database versions not stated): ExAC 0.00010; TOPMed 0.00016; gnomAD 0.00017; 1000 Genomes Project 0.00020; gnomAD exomes 0.00026; 1000 Genomes Project 30x 0.00031; ESP Exome Variant Server 0.00038.
gnomAD v4.1: 417 of 1,613,904 alleles (0.026%); highest among the groups gnomAD compares: Non-Finnish European, 0.033%; no homozygotes.

Submission:

CeGaT Center for Human Genetics Tuebingen
Classification: Likely benign. Last evaluated: 2022-12-01. Review status: criteria provided, single submitter. Criteria: CeGaT Center For Human Genetics Tuebingen Variant Classification Criteria Version 2. Collection method: clinical testing. Allele origin: germline. Affected: yes. Observed: 1 variant allele.
Comment: PCDHA3: BP4, BP7

NM_018906.3(PCDHA3):c.2058C>T (p.Ala686=)

Genes: PCDHA1 (protocadherin alpha 1; plus strand), PCDHA2 (protocadherin alpha 2; plus strand), PCDHA3 (protocadherin alpha 3; plus strand), PCDHA@ (protocadherin alpha cluster, complex locus; plus strand). Cytogenetic location: 5q31.3.
Variant type: single nucleotide variant.
Coding change: c.2058C>T on transcript NM_018906.3 (MANE Select); coding-DNA position 2058, C replaced by T.
Protein change: p.Ala686=; no amino-acid change (alanine 686 retained).
Molecular consequence: synonymous variant. On other transcripts: intron variant (4).
Genome position (GRCh38, 1-based): chr5:140,803,255, C>T. VCF-style: chr5-140803255-C-T. GRCh37 (hg19) VCF-style: chr5-140182840-C-T.
Other names: c.2058C>T, p.Ala686= (NM_031497.2); c.2394+14571C>T (NM_018900.4); c.1602+15363C>T (NM_031411.3); c.2388+5903C>T (NM_018905.3); c.2389-1805C>T (NM_031496.2).
Identifiers: ClinVar variation 2655751 (VCV002655751.24), dbSNP rs149770195, ClinGen allele CA3446675.